The following is an entry in ClinVar:

NM_003265.3(TLR3):c.2707G>A (p.Val903Ile)

Gene: TLR3 (toll like receptor 3; plus strand). Cytogenetic location: 4q35.1.
Variant type: single nucleotide variant.
Coding change: c.2707G>A on transcript NM_003265.3 (MANE Select); coding-DNA position 2707, G replaced by A.
Protein change: p.Val903Ile; replaces valine 903 with isoleucine.
Molecular consequence: missense variant.
Genome position (GRCh38, 1-based): chr4:186,084,865, G>A. VCF-style: chr4-186084865-G-A. GRCh37 (hg19) VCF-style: chr4-187006019-G-A.
Other names: short protein forms V903I.
Identifiers: ClinVar variation 4731581 (VCV004731581.1).

ClinVar aggregate classification (germline): Uncertain significance (1 of 4 stars; one submission).

Conditions:
Encephalopathy, acute, infection-induced (herpes-specific), susceptibility to, 1. Also called: Herpes simplex encephalitis, susceptibility to, 1. Identifiers: Orphanet 1930, MedGen C2750180, MONDO:0024563, OMIM 610551.

Submission:

Labcorp Genetics (formerly Invitae), Labcorp
Classification: Uncertain significance for Encephalopathy, acute, infection-induced (herpes-specific), susceptibility to, 1. Last evaluated: 2025-11-23. Review status: criteria provided, single submitter. Criteria: Invitae Variant Classification Sherloc (09022015). Collection method: clinical testing. Allele origin: germline.
Comment: This sequence change replaces valine, which is neutral and non-polar, with isoleucine, which is neutral and non-polar, at codon 903 of the TLR3 protein (p.Val903Ile). This variant is not present in population databases (gnomAD no frequency). This variant has not been reported in the literature in individuals affected with TLR3-related conditions. An algorithm developed to predict the effect of missense changes on protein structure and function outputs the following: PolyPhen-2: "Benign". The isoleucine amino acid residue is found in multiple mammalian species, which suggests that this missense change does not adversely affect protein function. In summary, the available evidence is currently insufficient to determine the role of this variant in disease. Therefore, it has been classified as a Variant of Uncertain Significance.